The following is an entry in ClinVar:

ClinVar aggregate classification (germline): Uncertain significance (1 of 4 stars; one submission).

Conditions:
Inborn genetic diseases. Identifiers: MedGen C0950123, MeSH D030342.

Submission:

Ambry Genetics
Classification: Uncertain significance for Inborn genetic diseases. Last evaluated: 2025-07-21. Review status: criteria provided, single submitter. Criteria: Ambry Variant Classification Scheme 2023. Collection method: clinical testing. Allele origin: germline.
Comment: The p.D418V variant (also known as c.1253A>T), located in coding exon 4 of the SMAD6 gene, results from an A to T substitution at nucleotide position 1253. The aspartic acid at codon 418 is replaced by valine, an amino acid with highly dissimilar properties. This amino acid position is conserved. In addition, this alteration is predicted to be deleterious by in silico analysis. Based on the available evidence, the clinical significance of this variant remains unclear.

NM_005585.5(SMAD6):c.1253A>T (p.Asp418Val)

Gene: SMAD6 (SMAD family member 6; plus strand). Cytogenetic location: 15q22.31.
Variant type: single nucleotide variant.
Coding change: c.1253A>T on transcript NM_005585.5 (MANE Select); coding-DNA position 1253, A replaced by T.
Protein change: p.Asp418Val; replaces aspartic acid 418 with valine.
Molecular consequence: missense variant. On other transcripts: non-coding transcript variant (1).
Genome position (GRCh38, 1-based): chr15:66,781,297, A>T. VCF-style: chr15-66781297-A-T. GRCh37 (hg19) VCF-style: chr15-67073635-A-T.
Other names: short protein forms D418V.
Identifiers: ClinVar variation 4170069 (VCV004170069.1).